The following is an entry in ClinVar:

ClinVar aggregate classification (germline): Benign. Review status: criteria provided, multiple submitters, no conflicts (2 of 4 stars). 2 submissions from 2 submitters: Benign (2). Last evaluated 2018-06-19.

Allele frequency attached by ClinVar (database versions not stated): 1000 Genomes Project 0.55891; 1000 Genomes Project 30x 0.56106; TOPMed 0.59441; gnomAD 0.60787 and 0.61318.
gnomAD v4.1: 92,146 of 151,820 alleles (61%); highest among the groups gnomAD compares: African/African-American, 64%; 28,319 homozygotes.

Submissions (2):

GeneDx
Classification: Benign. Last evaluated: 2018-06-19. Review status: criteria provided, single submitter. Criteria: GeneDx Variant Classification (06012015). Collection method: clinical testing. Allele origin: germline. Affected: yes.
Comment: This variant is considered likely benign or benign based on one or more of the following criteria: it is a conservative change, it occurs at a poorly conserved position in the protein, it is predicted to be benign by multiple in silico algorithms, and/or has population frequency not consistent with disease.

Breakthrough Genomics
Classification: Benign. Review status: criteria provided, single submitter. Criteria: ACMG Guidelines, 2015. Collection method: not provided. Allele origin: germline. Inheritance: Autosomal dominant inheritance. Affected: yes.

NM_001005373.4(LRSAM1):c.528+275A>G

Gene: LRSAM1 (leucine rich repeat and sterile alpha motif containing 1; plus strand). Cytogenetic location: 9q33.3.
Variant type: single nucleotide variant.
Coding change: c.528+275A>G on transcript NM_001005373.4 (MANE Select); 275 bases into the intron after coding-DNA position 528, A replaced by G.
Molecular consequence: intron variant.
Genome position (GRCh38, 1-based): chr9:127,462,648, A>G. VCF-style: chr9-127462648-A-G. GRCh37 (hg19) VCF-style: chr9-130224927-A-G.
Other names: c.528+275A>G (NM_138361.5, NM_001384142.1, NM_001384143.1 and 2 more transcripts); c.-257+275A>G (NM_001384144.1).
Identifiers: ClinVar variation 684245 (VCV000684245.2), dbSNP rs2254437, ClinGen allele CA13000677.